The following is an entry in ClinVar:

ClinVar aggregate classification (germline): Pathogenic (1 of 4 stars; one submission).

Conditions:
Hereditary cancer-predisposing syndrome. Also called: Neoplastic Syndromes, Hereditary; Tumor predisposition; Hereditary Cancer Syndrome; Hereditary neoplastic syndrome. Identifiers: Orphanet 140162, MedGen C0027672, MeSH D009386, MONDO:0015356.

Submission:

Ambry Genetics
Classification: Pathogenic for Hereditary cancer-predisposing syndrome. Last evaluated: 2021-03-09. Review status: criteria provided, single submitter. Criteria: Ambry Variant Classification Scheme 2023. Collection method: clinical testing. Allele origin: germline.
Comment: The c.699_700delGA pathogenic mutation, located in coding exon 7 of the BMPR1A gene, results from a deletion of two nucleotides at nucleotide positions 699 to 700, causing a translational frameshift with a predicted alternate stop codon (p.Q233Hfs*9). This alteration is expected to result in loss of function by premature protein truncation or nonsense-mediated mRNA decay. As such, this alteration is interpreted as a disease-causing mutation.

NM_004329.3(BMPR1A):c.699_700del (p.Gln233fs)

Gene: BMPR1A (bone morphogenetic protein receptor type 1A; plus strand). Cytogenetic location: 10q23.2.
Variant type: Deletion.
Coding change: c.699_700del on transcript NM_004329.3 (MANE Select); coding-DNA positions 699 to 700, 2 bases deleted (GA; older notation c.699_700delGA).
Protein change: p.Gln233fs; shifts the reading frame from glutamine 233.
Molecular consequence: frameshift variant.
Genome position (GRCh38, 1-based): chr10:86,917,157-86,917,158, GA deleted; deleting any 2 consecutive bases within chr10:86,917,156-86,917,158 gives the same sequence; the c. name uses the placement nearest the transcript's 3' end. VCF-style (leftmost placement, unchanged base first): chr10-86917155-CAG-C. GRCh37 (hg19) VCF-style: chr10-88676912-CAG-C.
Other names: c.774_775delGA, p.Gln258Hisfs (NM_001406559.1); c.747_748delGA, p.Gln249Hisfs (NM_001406560.1); c.699_700delGA, p.Gln233Hisfs (NM_001406561.1, NM_001406562.1, NM_001406563.1 and 19 more transcripts); c.693_694delGA, p.Gln231Hisfs (NM_001406583.1); c.615_616delGA, p.Gln205Hisfs (NM_001406584.1, NM_001406585.1, NM_001406586.1 and 2 more transcripts); c.357_358delGA, p.Gln119Hisfs (NM_001406589.1); short protein forms Q233fs.
Identifiers: ClinVar variation 1756478 (VCV001756478.2), dbSNP rs2539602631, ClinGen allele CA2580082095.